The following is an entry in ClinVar:

NM_001191061.2(SLC25A22):c.131G>T (p.Arg44Leu)

Gene: SLC25A22 (solute carrier family 25 member 22; minus strand). Cytogenetic location: 11p15.5.
Variant type: single nucleotide variant.
Coding change: c.131G>T on transcript NM_001191061.2 (MANE Select); coding-DNA position 131, G replaced by T.
Protein change: p.Arg44Leu; replaces arginine 44 with leucine.
Molecular consequence: missense variant.
Genome position (GRCh38, 1-based): chr11:794,791, C>A on the plus strand (G>T on the coding strand, the complement: SLC25A22 is on the minus strand). VCF-style: chr11-794791-C-A. GRCh37 (hg19) VCF-style: chr11-794791-C-A.
Other names: c.131G>T, p.Arg44Leu (NM_001191060.2, NM_024698.6); short protein forms R44L.
Identifiers: ClinVar variation 934170 (VCV000934170.8), dbSNP rs774588138, ClinGen allele CA378921861.

ClinVar aggregate classification (germline): Uncertain significance (1 of 4 stars; one submission).

Conditions:
Developmental and epileptic encephalopathy. Identifiers: MedGen C5779964, MONDO:0100620.

Submission:

Labcorp Genetics (formerly Invitae), Labcorp
Classification: Uncertain significance for Early-infantile DEE. Last evaluated: 2021-09-01. Review status: criteria provided, single submitter. Criteria: Invitae Variant Classification Sherloc (09022015). Collection method: clinical testing. Allele origin: germline.
Comment: This sequence change replaces arginine with leucine at codon 44 of the SLC25A22 protein (p.Arg44Leu). The arginine residue is highly conserved and there is a moderate physicochemical difference between arginine and leucine. This variant is not present in population databases (ExAC no frequency). This variant has not been reported in the literature in individuals affected with SLC25A22-related conditions. Algorithms developed to predict the effect of missense changes on protein structure and function are either unavailable or do not agree on the potential impact of this missense change (SIFT: "Deleterious"; PolyPhen-2: "Possibly Damaging"; Align-GVGD: "Class C15"). In summary, the available evidence is currently insufficient to determine the role of this variant in disease. Therefore, it has been classified as a Variant of Uncertain Significance.